The following is an entry in ClinVar:

NM_004336.5(BUB1):c.3131T>C (p.Leu1044Pro)

Gene: BUB1 (BUB1 mitotic checkpoint serine/threonine kinase; minus strand). Cytogenetic location: 2q13.
Variant type: single nucleotide variant.
Coding change: c.3131T>C on transcript NM_004336.5 (MANE Select); coding-DNA position 3131, T replaced by C.
Protein change: p.Leu1044Pro; replaces leucine 1044 with proline.
Molecular consequence: missense variant.
Genome position (GRCh38, 1-based): chr2:110,638,091, A>G on the plus strand (T>C on the coding strand, the complement: BUB1 is on the minus strand). VCF-style: chr2-110638091-A-G. GRCh37 (hg19) VCF-style: chr2-111395668-A-G.
Other names: c.3071T>C, p.Leu1024Pro (NM_001278616.2); c.2960T>C, p.Leu987Pro (NM_001278617.2); short protein forms L1024P, L987P, L1044P.
Identifiers: ClinVar variation 1727975 (VCV001727975.5), dbSNP rs55839851, ClinGen allele CA1827626.

ClinVar aggregate classification (germline): Uncertain significance. Review status: criteria provided, multiple submitters, no conflicts (2 of 4 stars). 2 submissions from 2 submitters: Uncertain significance (2). Last evaluated 2025-08-31.

Allele frequency attached by ClinVar (database versions not stated): ExAC 0.00002; gnomAD exomes 0.00002; 1000 Genomes Project 0.00020; gnomAD 0.00003; 1000 Genomes Project 30x 0.00031.
gnomAD v4.1: 37 of 1,612,634 alleles (0.0023%); highest among the groups gnomAD compares: Non-Finnish European, 0.0028%; no homozygotes.

Submissions (2):

Ambry Genetics
Classification: Uncertain significance. Last evaluated: 2025-08-31. Review status: criteria provided, single submitter. Criteria: Ambry Variant Classification Scheme 2023. Collection method: clinical testing. Allele origin: germline.

Labcorp Genetics (formerly Invitae), Labcorp
Classification: Uncertain significance. Last evaluated: 2025-08-21. Review status: criteria provided, single submitter. Criteria: Invitae Variant Classification Sherloc (09022015). Collection method: clinical testing. Allele origin: germline.
Comment: This sequence change replaces leucine, which is neutral and non-polar, with proline, which is neutral and non-polar, at codon 1044 of the BUB1 protein (p.Leu1044Pro). This variant is present in population databases (rs55839851, gnomAD 0.004%). This variant has not been reported in the literature in individuals affected with BUB1-related conditions. ClinVar contains an entry for this variant (Variation ID: 1727975). Experimental studies and prediction algorithms are not available or were not evaluated, and the functional significance of this variant is currently unknown. In summary, the available evidence is currently insufficient to determine the role of this variant in disease. Therefore, it has been classified as a Variant of Uncertain Significance.